The following is an entry in ClinVar:

ClinVar aggregate classification (germline): Pathogenic (1 of 4 stars; one submission).

Allele frequency attached by ClinVar (database versions not stated): ExAC 0.00001.
gnomAD v4.1: 7 of 1,611,816 alleles (0.00043%); highest among the groups gnomAD compares: East Asian, 0.0022%; no homozygotes.

Submission:

Labcorp Genetics (formerly Invitae), Labcorp
Classification: Pathogenic. Last evaluated: 2022-01-01. Review status: criteria provided, single submitter. Criteria: Invitae Variant Classification Sherloc (09022015). Collection method: clinical testing. Allele origin: germline.
Comment: This sequence change creates a premature translational stop signal (p.Arg375*) in the RCBTB1 gene. It is expected to result in an absent or disrupted protein product. Loss-of-function variants in RCBTB1 are known to be pathogenic (PMID: 31494449). This variant is present in population databases (rs768475581, gnomAD 0.006%). This variant has not been reported in the literature in individuals affected with RCBTB1-related conditions. For these reasons, this variant has been classified as Pathogenic.

Literature cited by the submitters: PubMed 31494449.

NM_018191.4(RCBTB1):c.1123C>T (p.Arg375Ter)

Gene: RCBTB1 (RCC1 and BTB domain containing protein 1; minus strand). Cytogenetic location: 13q14.2.
Variant type: single nucleotide variant.
Coding change: c.1123C>T on transcript NM_018191.4 (MANE Select); coding-DNA position 1123, C replaced by T.
Protein change: p.Arg375Ter; replaces arginine 375 with a stop codon.
Molecular consequence: nonsense. On other transcripts: non-coding transcript variant (2).
Genome position (GRCh38, 1-based): chr13:49,544,786, G>A on the plus strand (C>T on the coding strand, the complement: RCBTB1 is on the minus strand). VCF-style: chr13-49544786-G-A. GRCh37 (hg19) VCF-style: chr13-50118922-G-A.
Other names: c.1123C>T, p.Arg375Ter (NM_001352500.2, NM_001352501.2, NM_001352502.2 and 2 more transcripts); c.544C>T, p.Arg182Ter (NM_001352506.2); short protein forms R182*, R375*.
Identifiers: ClinVar variation 1966120 (VCV001966120.5), dbSNP rs768475581, ClinGen allele CA6982660.